The following is an entry in ClinVar:

ClinVar aggregate classification (germline): Uncertain significance. Review status: criteria provided, multiple submitters, no conflicts (2 of 4 stars). 3 submissions from 3 submitters: Uncertain significance (3). Last evaluated 2024-04-09.

Conditions:
Hereditary cancer-predisposing syndrome. Also called: Neoplastic Syndromes, Hereditary; Tumor predisposition; Hereditary neoplastic syndrome; Hereditary Cancer Syndrome. Identifiers: Orphanet 140162, MedGen C0027672, MeSH D009386, MONDO:0015356.
Endometrial carcinoma. Also called: Endometrial carcinoma, somatic. Identifiers: MedGen C0476089, MONDO:0002447, OMIM 608089, HP:0012114.

Allele frequency attached by ClinVar (database versions not stated): gnomAD exomes 0.00001.
gnomAD v4.1: 16 of 1,611,762 alleles (0.00099%); highest among the groups gnomAD compares: Non-Finnish European, 0.0013%; no homozygotes.

Submissions (3):

Labcorp Genetics (formerly Invitae), Labcorp
Classification: Uncertain significance. Last evaluated: 2024-04-09. Review status: criteria provided, single submitter. Criteria: Invitae Variant Classification Sherloc (09022015). Collection method: clinical testing. Allele origin: germline.
Comment: This sequence change replaces glutamine, which is neutral and polar, with proline, which is neutral and non-polar, at codon 876 of the MSH3 protein (p.Gln876Pro). This variant is not present in population databases (gnomAD no frequency). This variant has not been reported in the literature in individuals affected with MSH3-related conditions. ClinVar contains an entry for this variant (Variation ID: 661388). An algorithm developed to predict the effect of missense changes on protein structure and function (PolyPhen-2) suggests that this variant is likely to be disruptive. In summary, the available evidence is currently insufficient to determine the role of this variant in disease. Therefore, it has been classified as a Variant of Uncertain Significance.

Ambry Genetics
Classification: Uncertain significance for Hereditary cancer-predisposing syndrome. Last evaluated: 2024-01-25. Review status: criteria provided, single submitter. Criteria: Ambry Variant Classification Scheme 2023. Collection method: clinical testing. Allele origin: germline.
Comment: The p.Q876P variant (also known as c.2627A>C), located in coding exon 19 of the MSH3 gene, results from an A to C substitution at nucleotide position 2627. The glutamine at codon 876 is replaced by proline, an amino acid with similar properties. This amino acid position is highly conserved in available vertebrate species. In addition, this alteration is predicted to be deleterious by in silico analysis. Since supporting evidence is limited at this time, the clinical significance of this alteration remains unclear.

Baylor Genetics
Classification: Uncertain significance for Endometrial carcinoma. Last evaluated: 2023-11-06. Review status: criteria provided, single submitter. Criteria: ACMG Guidelines, 2015. Collection method: clinical testing. Allele origin: unknown.

NM_002439.5(MSH3):c.2627A>C (p.Gln876Pro)

Gene: MSH3 (mutS homolog 3; plus strand). Cytogenetic location: 5q14.1.
Variant type: single nucleotide variant.
Coding change: c.2627A>C on transcript NM_002439.5 (MANE Select); coding-DNA position 2627, A replaced by C.
Protein change: p.Gln876Pro; replaces glutamine 876 with proline.
Molecular consequence: missense variant.
Genome position (GRCh38, 1-based): chr5:80,792,816, A>C. VCF-style: chr5-80792816-A-C. GRCh37 (hg19) VCF-style: chr5-80088635-A-C.
Other names: short protein forms Q876P.
Identifiers: ClinVar variation 661388 (VCV000661388.12), dbSNP rs1580053746, ClinGen allele CA360273006.